The following is an entry in ClinVar:

ClinVar aggregate classification (germline): Uncertain significance. Review status: criteria provided, multiple submitters, no conflicts (2 of 4 stars). 2 submissions from 2 submitters: Uncertain significance (2). Last evaluated 2022-10-17.

Conditions:
Congenital cataract-microcephaly-nevus flammeus simplex-severe intellectual disability syndrome. Also called: Basel-Vanagaite-Smirin-Yosef syndrome. Identifiers: Orphanet 464738, MedGen C4225323, MONDO:0014643, OMIM 616449.
Charcot-Marie-Tooth disease type 2. Also called: Charcot-Marie-Tooth type 2. Identifiers: Orphanet 64746, MedGen C0270914, MONDO:0018993.

Allele frequency attached by ClinVar (database versions not stated): ExAC 0.00002; gnomAD exomes 0.00004 and 0.00003; gnomAD 0.00003; TOPMed 0.00003.
gnomAD v4.1: 45 of 1,614,002 alleles (0.0028%); highest among the groups gnomAD compares: Admixed American, 0.017%; no homozygotes.

Submissions (2):

Labcorp Genetics (formerly Invitae), Labcorp
Classification: Uncertain significance for Charcot-Marie-Tooth disease type 2. Last evaluated: 2022-10-17. Review status: criteria provided, single submitter. Criteria: Invitae Variant Classification Sherloc (09022015). Collection method: clinical testing. Allele origin: germline.
Comment: This sequence change replaces arginine, which is basic and polar, with cysteine, which is neutral and slightly polar, at codon 302 of the MED25 protein (p.Arg302Cys). This variant is present in population databases (rs775122561, gnomAD 0.02%). This variant has not been reported in the literature in individuals affected with MED25-related conditions. ClinVar contains an entry for this variant (Variation ID: 241615). Algorithms developed to predict the effect of missense changes on protein structure and function (SIFT, PolyPhen-2, Align-GVGD) all suggest that this variant is likely to be disruptive. In summary, the available evidence is currently insufficient to determine the role of this variant in disease. Therefore, it has been classified as a Variant of Uncertain Significance.

Baylor Genetics
Classification: Uncertain significance for Congenital cataract-microcephaly-nevus flammeus simplex-severe intellectual disability syndrome. Last evaluated: 2020-09-16. Review status: criteria provided, single submitter. Criteria: ACMG Guidelines, 2015. Collection method: clinical testing. Allele origin: unknown. Affected: yes.
Comment: This variant was determined to be of uncertain significance according to ACMG Guidelines, 2015 [PMID:25741868].

NM_030973.4(MED25):c.904C>T (p.Arg302Cys)

Gene: MED25 (mediator complex subunit 25; plus strand). Cytogenetic location: 19q13.33.
Variant type: single nucleotide variant.
Coding change: c.904C>T on transcript NM_030973.4 (MANE Select); coding-DNA position 904, C replaced by T.
Protein change: p.Arg302Cys; replaces arginine 302 with cysteine.
Molecular consequence: missense variant.
Genome position (GRCh38, 1-based): chr19:49,830,595, C>T. VCF-style: chr19-49830595-C-T. GRCh37 (hg19) VCF-style: chr19-50333852-C-T.
Other names: c.904C>T, p.Arg302Cys (NM_001378355.1); short protein forms R302C.
Identifiers: ClinVar variation 241615 (VCV000241615.7), dbSNP rs775122561, ClinGen allele CA9585063.